The following is an entry in ClinVar:

ClinVar aggregate classification (germline): Uncertain significance (1 of 4 stars; one submission).

Conditions:
Duchenne muscular dystrophy (DMD). Also called: Duchenne Muscular Dystrophy (DMD); MUSCULAR DYSTROPHY, PSEUDOHYPERTROPHIC PROGRESSIVE, DUCHENNE TYPE. Identifiers: Orphanet 98896, MedGen C0013264, MONDO:0010679, OMIM 310200.

gnomAD v4.1: 1 of 1,211,300 alleles (0.000083%); highest among the groups gnomAD compares: Middle Eastern, 0.023%; no homozygotes.

Submission:

Labcorp Genetics (formerly Invitae), Labcorp
Classification: Uncertain significance for Duchenne muscular dystrophy. Last evaluated: 2026-01-09. Review status: criteria provided, single submitter. Criteria: Invitae Variant Classification Sherloc (09022015). Collection method: clinical testing. Allele origin: germline.
Comment: This sequence change replaces isoleucine, which is neutral and non-polar, with threonine, which is neutral and polar, at codon 1389 of the DMD protein (p.Ile1389Thr). This variant is not present in population databases (gnomAD no frequency). This variant has not been reported in the literature in individuals affected with DMD-related conditions. ClinVar contains an entry for this variant (Variation ID: 1509056). Invitae Evidence Modeling of protein sequence and biophysical properties (such as structural, functional, and spatial information, amino acid conservation, physicochemical variation, residue mobility, and thermodynamic stability) indicates that this missense variant is not expected to disrupt DMD protein function with a negative predictive value of 95%. In summary, the available evidence is currently insufficient to determine the role of this variant in disease. Therefore, it has been classified as a Variant of Uncertain Significance.

NM_004006.3(DMD):c.4166T>C (p.Ile1389Thr)

Gene: DMD (dystrophin; minus strand). Cytogenetic location: Xp21.1.
Variant type: single nucleotide variant.
Coding change: c.4166T>C on transcript NM_004006.3 (MANE Select); coding-DNA position 4166, T replaced by C.
Protein change: p.Ile1389Thr; replaces isoleucine 1389 with threonine.
Molecular consequence: missense variant.
Genome position (GRCh38, 1-based): chrX:32,411,819, A>G on the plus strand (T>C on the coding strand, the complement: DMD is on the minus strand). VCF-style: chrX-32411819-A-G. GRCh37 (hg19) VCF-style: chrX-32429936-A-G.
Other names: c.4142T>C, p.Ile1381Thr (NM_000109.4); c.4154T>C, p.Ile1385Thr (NM_004009.3); c.3797T>C, p.Ile1266Thr (NM_004010.3); c.143T>C, p.Ile48Thr (NM_004011.4); c.134T>C, p.Ile45Thr (NM_004012.4); short protein forms I1266T, I1385T, I48T, I1381T, I1389T, I45T.
Identifiers: ClinVar variation 1509056 (VCV001509056.4), dbSNP rs2147935115, ClinGen allele CA412666314.